The following is an entry in ClinVar:

ClinVar aggregate classification (germline): Uncertain significance (1 of 4 stars; one submission).

Conditions:
Cardiovascular phenotype. Identifiers: MedGen CN230736.

gnomAD v4.1: 2 of 1,614,020 alleles (0.00012%); highest among the groups gnomAD compares: African/African-American, 0.0027%; no homozygotes.

Submission:

Ambry Genetics
Classification: Uncertain significance for Cardiovascular phenotype. Last evaluated: 2025-04-05. Review status: criteria provided, single submitter. Criteria: Ambry Variant Classification Scheme 2023. Collection method: clinical testing. Allele origin: germline.
Comment: The p.K875R variant (also known as c.2624A>G), located in coding exon 22 of the JAG1 gene, results from an A to G substitution at nucleotide position 2624. The lysine at codon 875 is replaced by arginine, an amino acid with highly similar properties. This amino acid position is conserved. In addition, this alteration is predicted to be tolerated by in silico analysis. Based on the available evidence, the clinical significance of this variant remains unclear.

NM_000214.3(JAG1):c.2624A>G (p.Lys875Arg)

Gene: JAG1 (jagged canonical Notch ligand 1; minus strand). Cytogenetic location: 20p12.2.
Variant type: single nucleotide variant.
Coding change: c.2624A>G on transcript NM_000214.3 (MANE Select); coding-DNA position 2624, A replaced by G.
Protein change: p.Lys875Arg; replaces lysine 875 with arginine.
Molecular consequence: missense variant.
Genome position (GRCh38, 1-based): chr20:10,641,841, T>C on the plus strand (A>G on the coding strand, the complement: JAG1 is on the minus strand). VCF-style: chr20-10641841-T-C. GRCh37 (hg19) VCF-style: chr20-10622489-T-C.
Other names: short protein forms K875R.
Identifiers: ClinVar variation 4040686 (VCV004040686.1).